The following is an entry in ClinVar:

ClinVar aggregate classification (germline): Uncertain significance (1 of 4 stars; one submission).

gnomAD v4.1: 9 of 1,209,657 alleles (0.00074%); highest among the groups gnomAD compares: Non-Finnish European, 0.001%; no homozygotes.

Submission:

GeneDx
Classification: Uncertain significance. Last evaluated: 2019-03-04. Review status: criteria provided, single submitter. Criteria: GeneDx Variant Classification Process June 2021. Collection method: clinical testing. Allele origin: germline. Affected: yes.
Comment: Not observed in large population cohorts (Lek et al., 2016); In silico analysis, which includes protein predictors and evolutionary conservation, supports that this variant does not alter protein structure/function; Has not been previously published as pathogenic or benign to our knowledge

NM_001291415.2(KDM6A):c.4312G>A (p.Val1438Ile)

Gene: KDM6A (lysine demethylase 6A; plus strand). Cytogenetic location: Xp11.3.
Variant type: single nucleotide variant.
Coding change: c.4312G>A on transcript NM_001291415.2 (MANE Select); coding-DNA position 4312, G replaced by A.
Protein change: p.Val1438Ile; replaces valine 1438 with isoleucine.
Molecular consequence: missense variant. On other transcripts: non-coding transcript variant (1).
Genome position (GRCh38, 1-based): chrX:45,110,229, G>A. VCF-style: chrX-45110229-G-A. GRCh37 (hg19) VCF-style: chrX-44969474-G-A.
Other names: c.4177G>A, p.Val1393Ile (NM_001291416.2); c.4021G>A, p.Val1341Ile (NM_001291417.2); c.3919G>A, p.Val1307Ile (NM_001291418.2); c.3268G>A, p.Val1090Ile (NM_001291421.2); c.4156G>A, p.Val1386Ile (NM_021140.4); short protein forms V1090I, V1307I, V1341I, V1386I, V1393I, V1438I.
Identifiers: ClinVar variation 1307358 (VCV001307358.2), dbSNP rs2148307962, ClinGen allele CA412777639.